The following is an entry in ClinVar:

ClinVar aggregate classification (germline): Uncertain significance (1 of 4 stars; one submission).

Conditions:
Alpha thalassemia-X-linked intellectual disability syndrome (ATRX). Also called: ALPHA-THALASSEMIA/MENTAL RETARDATION SYNDROME, X-LINKED; ATR, NONDELETION TYPE; ATR-X syndrome; Alpha thalassemia mental retardation syndrome, nondeletion type, X-linked; XLMR hypotonic face syndrome; X-linked alpha-thalassemia-mental retardation syndrome. Identifiers: Orphanet 847, MedGen C1845055, MONDO:0010519, OMIM 301040.

Submission:

Labcorp Genetics (formerly Invitae), Labcorp
Classification: Uncertain significance for Alpha thalassemia-X-linked intellectual disability syndrome. Last evaluated: 2024-11-11. Review status: criteria provided, single submitter. Criteria: Invitae Variant Classification Sherloc (09022015). Collection method: clinical testing. Allele origin: germline.
Comment: This sequence change replaces glutamic acid, which is acidic and polar, with aspartic acid, which is acidic and polar, at codon 1462 of the ATRX protein (p.Glu1462Asp). This variant is not present in population databases (gnomAD no frequency). This variant has not been reported in the literature in individuals affected with ATRX-related conditions. ClinVar contains an entry for this variant (Variation ID: 2135678). Invitae Evidence Modeling of protein sequence and biophysical properties (such as structural, functional, and spatial information, amino acid conservation, physicochemical variation, residue mobility, and thermodynamic stability) indicates that this missense variant is not expected to disrupt ATRX protein function with a negative predictive value of 95%. In summary, the available evidence is currently insufficient to determine the role of this variant in disease. Therefore, it has been classified as a Variant of Uncertain Significance.

NM_000489.6(ATRX):c.4386G>T (p.Glu1462Asp)

Gene: ATRX (ATRX chromatin remodeler; minus strand). Cytogenetic location: Xq21.1.
Variant type: single nucleotide variant.
Coding change: c.4386G>T on transcript NM_000489.6 (MANE Select); coding-DNA position 4386, G replaced by T.
Protein change: p.Glu1462Asp; replaces glutamic acid 1462 with aspartic acid.
Molecular consequence: missense variant.
Genome position (GRCh38, 1-based): chrX:77,652,285, C>A on the plus strand (G>T on the coding strand, the complement: ATRX is on the minus strand). VCF-style: chrX-77652285-C-A. GRCh37 (hg19) VCF-style: chrX-76907775-C-A.
Other names: c.4272G>T, p.Glu1424Asp (NM_138270.5); short protein forms E1424D, E1462D.
Identifiers: ClinVar variation 2135678 (VCV002135678.4), dbSNP rs2522699663, ClinGen allele CA413708620.
Genomic context (GRCh38, chrX:77,652,285, plus strand): 5'-CTTCCGAATTTTCTTTCTGCCTTTTCCAGGAGACTTGGAATCATCATTTTCATCTTCCTC[C>A]TCCTCTTCCTCCTCCTCCTCCTCTTCCTCCTCCTCTTCTTTTTCCTCCTCTTCTTCCTCA-3'
Protein context (NP_000480.3, residues 1452-1472): EEEEEEEEEE[Glu1462Asp]EEDENDDSKS